The following is an entry in ClinVar:

NM_001388492.1(HTT):c.9400C>T (p.Arg3134Ter)

Gene: HTT (huntingtin; plus strand). Cytogenetic location: 4p16.3.
Variant type: single nucleotide variant.
Coding change: c.9400C>T on transcript NM_001388492.1 (MANE Select); coding-DNA position 9400, C replaced by T.
Protein change: p.Arg3134Ter; replaces arginine 3134 with a stop codon.
Molecular consequence: nonsense.
Genome position (GRCh38, 1-based): chr4:3,240,030, C>T. VCF-style: chr4-3240030-C-T. GRCh37 (hg19) VCF-style: chr4-3241757-C-T.
Other names: c.9406C>T, p.Arg3136Ter (NM_002111.8); short protein forms R3136*, R3134*.
Identifiers: ClinVar variation 1429507 (VCV001429507.8), dbSNP rs778248380, ClinGen allele CA2825964.

ClinVar aggregate classification (germline): Uncertain significance (1 of 4 stars; one submission).

Allele frequency attached by ClinVar (database versions not stated): TOPMed below 0.00001; ExAC 0.00002.
gnomAD v4.1: 8 of 1,597,370 alleles (0.0005%); highest among the groups gnomAD compares: Non-Finnish European, 0.00068%; no homozygotes.

Submission:

Labcorp Genetics (formerly Invitae), Labcorp
Classification: Uncertain significance. Last evaluated: 2022-09-01. Review status: criteria provided, single submitter. Criteria: Invitae Variant Classification Sherloc (09022015). Collection method: clinical testing. Allele origin: germline.
Comment: ClinVar contains an entry for this variant (Variation ID: 1429507). This sequence change creates a premature translational stop signal (p.Arg3136*) in the HTT gene. While this is not anticipated to result in nonsense mediated decay, it is expected to disrupt the last 9 amino acid(s) of the HTT protein. The frequency data for this variant in the population databases is considered unreliable, as metrics indicate poor data quality at this position in the gnomAD database. This variant has not been reported in the literature in individuals affected with HTT-related conditions. Experimental studies and prediction algorithms are not available or were not evaluated, and the functional significance of this variant is currently unknown. In summary, the available evidence is currently insufficient to determine the role of this variant in disease. Therefore, it has been classified as a Variant of Uncertain Significance.